The following is an entry in ClinVar:

ClinVar aggregate classification (germline): Likely benign (1 of 4 stars; one submission).

Allele frequency attached by ClinVar (database versions not stated): 1000 Genomes Project 0.00344.

Submission:

CeGaT Center for Human Genetics Tuebingen
Classification: Likely benign. Last evaluated: 2026-08-01. Review status: criteria provided, single submitter. Criteria: CeGaT Center For Human Genetics Tuebingen Variant Classification Criteria Version 2. Collection method: clinical testing. Allele origin: germline. Affected: yes. Observed: 5 variant alleles.
Comment: VCX3B: BP4, BP7

NC_000023.11:g.8465975G>A

Gene: VCX3B (variable charge X-linked 3B; plus strand). Cytogenetic location: Xp22.31.
Variant type: single nucleotide variant.
Genome position: GRCh38 VCF-style: chrX-8465975-G-A. GRCh37 (hg19) VCF-style: chrX-8434016-G-A.
Identifiers: ClinVar variation 2659931 (VCV002659931.24), dbSNP rs763574545, ClinGen allele CA10343276.